The following is an entry in ClinVar:

ClinVar aggregate classification (germline): Uncertain significance (1 of 4 stars; one submission).

Conditions:
Cardiovascular phenotype. Identifiers: MedGen CN230736.

Submission:

Ambry Genetics
Classification: Uncertain significance for Cardiovascular phenotype. Last evaluated: 2024-06-07. Review status: criteria provided, single submitter. Criteria: Ambry Variant Classification Scheme 2023. Collection method: clinical testing. Allele origin: germline.
Comment: The p.N2157H variant (also known as c.6469A>C), located in coding exon 39 of the FLNC gene, results from an A to C substitution at nucleotide position 6469. The asparagine at codon 2157 is replaced by histidine, an amino acid with similar properties. This amino acid position is conserved. In addition, the in silico prediction for this alteration is inconclusive. Based on the available evidence, the clinical significance of this variant remains unclear.

NM_001458.5(FLNC):c.6469A>C (p.Asn2157His)

Genes: FLNC-AS1 (FLNC antisense RNA 1; minus strand), FLNC (filamin C; plus strand). Cytogenetic location: 7q32.1.
Variant type: single nucleotide variant.
Coding change: c.6469A>C on transcript NM_001458.5 (MANE Select); coding-DNA position 6469, A replaced by C.
Protein change: p.Asn2157His; replaces asparagine 2157 with histidine.
Molecular consequence: missense variant.
Genome position (GRCh38, 1-based): chr7:128,853,822, A>C. VCF-style: chr7-128853822-A-C. GRCh37 (hg19) VCF-style: chr7-128493876-A-C.
Other names: c.6370A>C, p.Asn2124His (NM_001127487.2); short protein forms N2124H, N2157H.
Identifiers: ClinVar variation 3279231 (VCV003279231.1).